The following is an entry in ClinVar:

NM_001128.6(AP1G1):c.1872+1G>T

Gene: AP1G1 (adaptor related protein complex 1 subunit gamma 1; minus strand). Cytogenetic location: 16q22.2.
Variant type: single nucleotide variant.
Coding change: c.1872+1G>T on transcript NM_001128.6 (MANE Select); the canonical splice donor site of the intron after coding-DNA position 1872, G replaced by T.
Molecular consequence: splice donor variant.
Genome position (GRCh38, 1-based): chr16:71,745,472, C>A on the plus strand (G>T on the coding strand, the complement: AP1G1 is on the minus strand). VCF-style: chr16-71745472-C-A. GRCh37 (hg19) VCF-style: chr16-71779375-C-A.
Other names: c.1881+1G>T (NM_001030007.2).
Identifiers: ClinVar variation 4530594 (VCV004530594.1).

ClinVar aggregate classification (germline): Pathogenic (1 of 4 stars; one submission).

Conditions:
Usmani-Riazuddin syndrome, autosomal dominant (USRISD). Identifiers: MedGen C5561952, MONDO:0859174, OMIM 619467.

Submission:

Institute of Human Genetics, University of Leipzig Medical Center
Classification: Pathogenic for Usmani-Riazuddin syndrome, autosomal dominant. Last evaluated: 2025-10-23. Review status: criteria provided, single submitter. Criteria: ACMG Guidelines, 2015. Collection method: clinical testing. Allele origin: maternal. Inheritance: Autosomal dominant inheritance. Affected: yes.
Comment: Criteria applied: PVS1,PS2_MOD,PM2